The following is an entry in ClinVar:

NM_001267550.2(TTN):c.91476T>G (p.Tyr30492Ter)

Genes: TTN (titin; minus strand), TTN-AS1 (TTN antisense RNA 1; plus strand). Cytogenetic location: 2q31.2.
Variant type: single nucleotide variant.
Coding change: c.91476T>G on transcript NM_001267550.2 (MANE Select); coding-DNA position 91476, T replaced by G.
Protein change: p.Tyr30492Ter; replaces tyrosine 30492 with a stop codon.
Molecular consequence: nonsense.
Genome position (GRCh38, 1-based): chr2:178,551,055, A>C on the plus strand (T>G on the coding strand, the complement: TTN is on the minus strand). VCF-style: chr2-178551055-A-C. GRCh37 (hg19) VCF-style: chr2-179415782-A-C.
Other names: c.83772T>G, p.Tyr27924Ter (NM_133378.4); c.86553T>G, p.Tyr28851Ter (NM_001256850.1); c.64281T>G, p.Tyr21427Ter (NM_003319.4); c.64656T>G, p.Tyr21552Ter (NM_133432.3); c.64857T>G, p.Tyr21619Ter (NM_133437.4); short protein forms Y27924*, Y30492*, Y21619*, Y21552*, Y21427*, Y28851*.
Identifiers: ClinVar variation 179124 (VCV000179124.14), dbSNP rs727504646, ClinGen allele CA273585.
Genomic context (GRCh38, chr2:178,551,055, plus strand): 5'-AGAAGACTGTGAGGGCGGGCTTATAGTTCCAACAGCATTTCTTGCAATTATTCTGAACTC[A>C]TAGCGATCCCCAGGACTGAGTCCTGTAACTGTGTACTGACATTCACTGACGTCAGTAAAG-3'

ClinVar aggregate classification (germline): Likely pathogenic. Review status: criteria provided, multiple submitters, no conflicts (2 of 4 stars). 3 submissions from 3 submitters: Likely pathogenic (3). Last evaluated 2023-04-22.

Conditions:
Cardiovascular phenotype. Identifiers: MedGen CN230736.
Dilated cardiomyopathy 1G (CMD1G). Identifiers: Orphanet 154, MedGen C1858763, MONDO:0011400, OMIM 604145.
Autosomal recessive limb-girdle muscular dystrophy type 2J (LGMDR10). Also called: Limb-girdle muscular dystrophy, type 2J; MUSCULAR DYSTROPHY, LIMB-GIRDLE, AUTOSOMAL RECESSIVE 10. Identifiers: Orphanet 140922, MedGen C1837342, MONDO:0012127, OMIM 608807.
Primary dilated cardiomyopathy (DCM). Also called: Dilated Cardiomyopathy. Identifiers: Orphanet 217604, MedGen C0007193, MeSH D002311, MONDO:0005021, HP:0001644. Inheritance: Various modes of inheritance.

Submissions (3):

Labcorp Genetics (formerly Invitae), Labcorp
Classification: Likely pathogenic for Dilated cardiomyopathy 1G; Autosomal recessive limb-girdle muscular dystrophy type 2J. Last evaluated: 2023-04-22. Review status: criteria provided, single submitter. Criteria: Invitae Variant Classification Sherloc (09022015). Collection method: clinical testing. Allele origin: germline.
Comment: In summary, the currently available evidence indicates that the variant is pathogenic, but additional data are needed to prove that conclusively. Therefore, this variant has been classified as Likely Pathogenic. This sequence change creates a premature translational stop signal (p.Tyr30492*) in the TTN gene. While this is not anticipated to result in nonsense mediated decay, it is expected to create a truncated TTN protein. This variant is not present in population databases (gnomAD no frequency). This premature translational stop signal has been observed in individual(s) with dilated cardiomyopathy (Invitae). ClinVar contains an entry for this variant (Variation ID: 179124). This variant is located in the A band of TTN (PMID: 25589632). Truncating variants in this region are significantly overrepresented in patients affected with dilated cardiomyopathy (PMID: 25589632). Truncating variants in this region have also been reported in individuals affected with autosomal recessive centronuclear myopathy (PMID: 23975875).

Ambry Genetics
Classification: Likely pathogenic for Cardiovascular phenotype. Last evaluated: 2023-01-20. Review status: criteria provided, single submitter. Criteria: Ambry Variant Classification Scheme 2023. Collection method: clinical testing. Allele origin: germline.
Comment: The p.Y21427* variant (also known as c.64281T>G), located in coding exon 163 of the TTN gene, results from a T to G substitution at nucleotide position 64281. This changes the amino acid from a tyrosine to a stop codon within coding exon 163. This exon is located in the A-band region of the N2-B isoform of the titin protein and is constitutively expressed in TTN transcripts (percent spliced in or PSI 100%). This variant is considered to be rare based on population cohorts in the Genome Aggregation Database (gnomAD). This alteration is expected to result in loss of function by premature protein truncation or nonsense-mediated mRNA decay. While truncating variants in TTN are present in 1-3% of the general population, truncating variants in the A-band are the most common cause of dilated cardiomyopathy (DCM) (Herman DS et al. N. Engl. J. Med., 2012 Feb;366:619-28; Roberts AM et al. Sci Transl Med, 2015 Jan;7:270ra6). TTN truncating variants encoded in constitutive exons (PSI >90%) have been found to be significantly associated with DCM regardless of their position in titin (Schafer S et al. Nat. Genet., 2017 01;49:46-53). Based on the majority of available evidence to date, this variant is likely to be pathogenic.

Laboratory for Molecular Medicine, Mass General Brigham Personalized Medicine
Classification: Likely pathogenic for Primary dilated cardiomyopathy. Last evaluated: 2013-08-11. Review status: criteria provided, single submitter. Criteria: LMM Criteria. Collection method: clinical testing. Allele origin: germline. Inheritance: Autosomal dominant inheritance. Observed: 1 variant allele.
Comment: The Tyr27924X variant in TTN has not been reported in individuals with cardiomyo pathy or in large population studies. This nonsense variant leads to a premature termination codon at position 27924, which is predicted to lead to a truncated or absent protein. Nonsense and other truncating variants in TTN are strongly as sociated with DCM and the majority occur in the A-band (Herman 2012, LMM unpubli shed data), where this variant is located. In summary, this variant is likely pa thogenic, though additional studies are required to fully establish its clinical significance.

Literature cited by the submitters: PubMed 25589632 (cited by Labcorp Genetics (formerly Invitae), Labcorp); PubMed 23975875 (cited by Labcorp Genetics (formerly Invitae), Labcorp).